The following is an entry in ClinVar:

ClinVar aggregate classification (germline): Likely pathogenic (1 of 4 stars; one submission).

Submission:

Labcorp Genetics (formerly Invitae), Labcorp
Classification: Likely pathogenic. Last evaluated: 2021-03-29. Review status: criteria provided, single submitter. Criteria: Invitae Variant Classification Sherloc (09022015). Collection method: clinical testing. Allele origin: germline.
Comment: In summary, the currently available evidence indicates that the variant is pathogenic, but additional data are needed to prove that conclusively. Therefore, this variant has been classified as Likely Pathogenic. Algorithms developed to predict the effect of sequence changes on RNA splicing suggest that this variant may disrupt the consensus splice site, but this prediction has not been confirmed by published transcriptional studies. This variant has not been reported in the literature in individuals with FH-related conditions. This variant is not present in population databases (ExAC no frequency). This sequence change affects a donor splice site in intron 6 of the FH gene. It is expected to disrupt RNA splicing. Variants that disrupt the donor or acceptor splice site typically lead to a loss of protein function (PMID: 16199547), and loss-of-function variants in FH are known to be pathogenic (PMID: 11865300, 21398687).

Literature cited by the submitters: PubMed 16199547; PubMed 11865300; PubMed 21398687.

NM_000143.4(FH):c.904+1G>T

Gene: FH (fumarate hydratase; minus strand). Cytogenetic location: 1q43.
Variant type: single nucleotide variant.
Coding change: c.904+1G>T on transcript NM_000143.4 (MANE Select); the canonical splice donor site of the intron after coding-DNA position 904, G replaced by T.
Molecular consequence: splice donor variant.
Genome position (GRCh38, 1-based): chr1:241,506,002, C>A on the plus strand (G>T on the coding strand, the complement: FH is on the minus strand). VCF-style: chr1-241506002-C-A. GRCh37 (hg19) VCF-style: chr1-241669302-C-A.
Identifiers: ClinVar variation 1469341 (VCV001469341.8), dbSNP rs1553341148, ClinGen allele CA345438755.